The following is an entry in ClinVar:

NM_001204.7(BMPR2):c.9C>A (p.Ser3=)

Gene: BMPR2 (bone morphogenetic protein receptor type 2; plus strand). Cytogenetic location: 2q33.1.
Variant type: single nucleotide variant.
Coding change: c.9C>A on transcript NM_001204.7 (MANE Select); coding-DNA position 9, C replaced by A.
Protein change: p.Ser3=; no amino-acid change (serine 3 retained).
Molecular consequence: synonymous variant.
Genome position (GRCh38, 1-based): chr2:202,377,483, C>A. VCF-style: chr2-202377483-C-A. GRCh37 (hg19) VCF-style: chr2-203242206-C-A.
Identifiers: ClinVar variation 695404 (VCV000695404.35), dbSNP rs549281044, ClinGen allele CA2060996.

ClinVar aggregate classification (germline): Benign/Likely benign. Review status: criteria provided, multiple submitters, no conflicts (2 of 4 stars). 6 submissions from 6 submitters: Benign (3); Likely benign (3). Last evaluated 2026-01-05.

Conditions:
Primary pulmonary hypertension. Also called: Idiopathic pulmonary hypertension. Identifiers: MedGen C0152171.
Pulmonary hypertension, primary, 1 (PPH1). Also called: Pulmonary hypertension, familial primary, 1, with or without HHT. Identifiers: Orphanet 422, MedGen C4552070, MONDO:0024533, OMIM 178600.
Inborn genetic diseases. Identifiers: MedGen C0950123, MeSH D030342.

Allele frequency attached by ClinVar (database versions not stated): gnomAD 0.00002 and 0.00028; TOPMed 0.00008; gnomAD exomes 0.00105; ExAC 0.00122; 1000 Genomes Project 30x 0.00172; 1000 Genomes Project 0.00180.
gnomAD v4.1: 843 of 1,614,276 alleles (0.052%); highest among the groups gnomAD compares: South Asian, 0.8%; 15 homozygotes.

Submissions (6):

Labcorp Genetics (formerly Invitae), Labcorp
Classification: Benign for Primary pulmonary hypertension. Last evaluated: 2026-01-05. Review status: criteria provided, single submitter. Criteria: Invitae Variant Classification Sherloc (09022015). Collection method: clinical testing. Allele origin: germline.

CeGaT Center for Human Genetics Tuebingen
Classification: Likely benign. Last evaluated: 2025-02-01. Review status: criteria provided, single submitter. Criteria: CeGaT Center For Human Genetics Tuebingen Variant Classification Criteria Version 2. Collection method: clinical testing. Allele origin: germline. Affected: yes. Observed: 1 variant allele.
Comment: BMPR2: BP4, BP7, BS2

Blueprint Genetics
Classification: Likely benign. Last evaluated: 2024-11-13. Review status: criteria provided, single submitter. Criteria: ACMG Guidelines, 2015. Collection method: clinical testing. Allele origin: germline.

Ambry Genetics
Classification: Likely benign for Inborn genetic diseases. Last evaluated: 2024-05-23. Review status: criteria provided, single submitter. Criteria: Ambry Variant Classification Scheme 2023. Collection method: clinical testing. Allele origin: germline.

ARUP Laboratories, Molecular Genetics and Genomics, ARUP Laboratories
Classification: Benign. Last evaluated: 2021-10-07. Review status: criteria provided, single submitter. Criteria: ARUP Molecular Germline Variant Investigation Process 2021. Collection method: clinical testing. Allele origin: germline.

Illumina Laboratory Services, Illumina
Classification: Benign for Pulmonary hypertension, primary, 1. Last evaluated: 2018-01-13. Review status: criteria provided, single submitter. Criteria: ICSL Variant Classification Criteria 13 December 2019. Collection method: clinical testing. Allele origin: germline.
Comment: This variant was observed in the ICSL laboratory as part of a predisposition screen in an ostensibly healthy population. It had not been previously curated by ICSL or reported in the Human Gene Mutation Database (HGMD: prior to June 1st, 2018), and was therefore a candidate for classification through an automated scoring system. Utilizing variant allele frequency, disease prevalence and penetrance estimates, and inheritance mode, an automated score was calculated to assess if this variant is too frequent to cause the disease. Based on the score and internal cut-off values, a variant classified as benign is not then subjected to further curation. The score for this variant resulted in a classification of benign for this disease.